The following is an entry in ClinVar:

ClinVar aggregate classification (germline): Pathogenic (1 of 4 stars; one submission).

Conditions:
Familial adenomatous polyposis 1 (FAP1). Also called: POLYPOSIS, ADENOMATOUS INTESTINAL; FAMILIAL ADENOMATOUS POLYPOSIS 1, ATTENUATED. Identifiers: MedGen C2713442, MONDO:0021056, OMIM 175100. Disease mechanism: loss of function.

Submission:

Myriad Genetics, Inc.
Classification: Pathogenic for Familial adenomatous polyposis 1. Last evaluated: 2023-05-15. Review status: criteria provided, single submitter. Criteria: Myriad Autosomal Dominant, Autosomal Recessive and X-Linked Classification Criteria (2023). Collection method: clinical testing. Allele origin: unknown.
Comment: This variant is considered pathogenic. This variant creates a termination codon and is predicted to result in premature protein truncation.

NM_000038.6(APC):c.6287C>A (p.Ser2096Ter)

Gene: APC (APC regulator of Wnt signaling pathway; plus strand). Cytogenetic location: 5q22.2.
Variant type: single nucleotide variant.
Coding change: c.6287C>A on transcript NM_000038.6 (MANE Select); coding-DNA position 6287, C replaced by A.
Protein change: p.Ser2096Ter; replaces serine 2096 with a stop codon.
Molecular consequence: nonsense. On other transcripts: non-coding transcript variant (2).
Genome position (GRCh38, 1-based): chr5:112,841,881, C>A. VCF-style: chr5-112841881-C-A. GRCh37 (hg19) VCF-style: chr5-112177578-C-A.
Other names: c.6287C>A, p.Ser2096Ter (NM_001127510.3, NM_001354895.2, NM_001407450.1); c.6233C>A, p.Ser2078Ter (NM_001127511.3); c.6341C>A, p.Ser2114Ter (NM_001354896.2, NM_001407447.1, NM_001407448.1 and 1 more transcripts); c.6317C>A, p.Ser2106Ter (NM_001354897.2); c.6212C>A, p.Ser2071Ter (NM_001354898.2); c.6203C>A, p.Ser2068Ter (NM_001354899.2); c.6164C>A, p.Ser2055Ter (NM_001354900.2); c.6110C>A, p.Ser2037Ter (NM_001354901.2, NM_001407453.1); and 11 more; short protein forms S1712*, S1813*, S1936*, S1967*, S1970*, S1995*, S2005*, S2013*.
Identifiers: ClinVar variation 2583539 (VCV002583539.2), dbSNP rs1561606344, ClinGen allele CA16035095.